The following is an entry in ClinVar:

NM_058216.3(RAD51C):c.363A>G (p.Thr121=)

Gene: RAD51C (RAD51 paralog C; plus strand). Cytogenetic location: 17q22.
Variant type: single nucleotide variant.
Coding change: c.363A>G on transcript NM_058216.3 (MANE Select); coding-DNA position 363, A replaced by G.
Protein change: p.Thr121=; no amino-acid change (threonine 121 retained).
Molecular consequence: synonymous variant. On other transcripts: non-coding transcript variant (2).
Genome position (GRCh38, 1-based): chr17:58,695,148, A>G. VCF-style: chr17-58695148-A-G. GRCh37 (hg19) VCF-style: chr17-56772509-A-G.
Other names: c.363A>G, p.Thr121= (NM_002876.4).
Identifiers: ClinVar variation 232219 (VCV000232219.17), dbSNP rs876659626, ClinGen allele CA10580734.

ClinVar aggregate classification (germline): Benign/Likely benign. Review status: criteria provided, multiple submitters, no conflicts (2 of 4 stars). 3 submissions from 3 submitters: Benign (1); Likely benign (2). Last evaluated 2025-08-13.

Conditions:
Hereditary cancer-predisposing syndrome. Also called: Hereditary Cancer Syndrome; Neoplastic Syndromes, Hereditary; Tumor predisposition; Hereditary neoplastic syndrome. Identifiers: Orphanet 140162, MedGen C0027672, MeSH D009386, MONDO:0015356.
Fanconi anemia complementation group O. Also called: RAD51C-Related Fanconi Anemia. Identifiers: Orphanet 84, MedGen C3150653, MONDO:0013248, OMIM 613390.
Breast-ovarian cancer, familial, susceptibility to, 3. Also called: RAD51C-Related Breast/Ovarian Cancer. Identifiers: Orphanet 145, MedGen C3150659, MONDO:0013253, OMIM 613399.

Allele frequency attached by ClinVar (database versions not stated): gnomAD 0.00001; TOPMed 0.00001.
gnomAD v4.1: 1 of 1,613,698 alleles (0.000062%); highest among the groups gnomAD compares: African/African-American, 0.0013%; no homozygotes.

Submissions (3):

Labcorp Genetics (formerly Invitae), Labcorp
Classification: Likely benign for Fanconi anemia complementation group O. Last evaluated: 2025-08-13. Review status: criteria provided, single submitter. Criteria: Invitae Variant Classification Sherloc (09022015). Collection method: clinical testing. Allele origin: germline.

Myriad Genetics, Inc.
Classification: Benign for Breast-ovarian cancer, familial, susceptibility to, 3. Last evaluated: 2025-02-14. Review status: criteria provided, single submitter. Criteria: Myriad Autosomal Dominant, Autosomal Recessive and X-Linked Classification Criteria (2023). Collection method: clinical testing. Allele origin: unknown.
Comment: This variant is considered benign. This variant is a silent/synonymous amino acid change and it is not expected to impact splicing.

Ambry Genetics
Classification: Likely benign for Hereditary cancer-predisposing syndrome. Last evaluated: 2015-06-04. Review status: criteria provided, single submitter. Criteria: Ambry Variant Classification Scheme 2023. Collection method: clinical testing. Allele origin: germline.